The following is an entry in ClinVar:

NM_020795.4(NLGN2):c.2297C>T (p.Pro766Leu)

Gene: NLGN2 (neuroligin 2; plus strand). Cytogenetic location: 17p13.1.
Variant type: single nucleotide variant.
Coding change: c.2297C>T on transcript NM_020795.4 (MANE Select); coding-DNA position 2297, C replaced by T.
Protein change: p.Pro766Leu; replaces proline 766 with leucine.
Molecular consequence: missense variant.
Genome position (GRCh38, 1-based): chr17:7,417,588, C>T. VCF-style: chr17-7417588-C-T. GRCh37 (hg19) VCF-style: chr17-7320907-C-T.
Other names: c.2297C>T (NM_020795.2); short protein forms P766L.
Identifiers: ClinVar variation 1980783 (VCV001980783.7), dbSNP rs1308466498, ClinGen allele CA397835643.
Genomic context (GRCh38, chr17:7,417,588, plus strand): 5'-AGCTGAAGCGGGGTGGTGGCGTCGGGGCGGACCCTGCCGAGGCTCTGCGCCCTGCCTGCC[C>T]GCCCGACTACACCCTGGCCCTGCGCCGGGCACCGGACGATGTGCCTCTCTTGGCCCCCGG-3'
Protein context (NP_065846.1, residues 756-776): DPAEALRPAC[Pro766Leu]PDYTLALRRA

ClinVar aggregate classification (germline): Uncertain significance. Review status: criteria provided, multiple submitters, no conflicts (2 of 4 stars). 2 submissions from 2 submitters: Uncertain significance (2). Last evaluated 2025-08-06.

Allele frequency attached by ClinVar (database versions not stated): gnomAD exomes 0.00001; gnomAD 0.00005.

Submissions (2):

Ambry Genetics
Classification: Uncertain significance. Last evaluated: 2025-08-06. Review status: criteria provided, single submitter. Criteria: Ambry Variant Classification Scheme 2023. Collection method: clinical testing. Allele origin: germline.

Labcorp Genetics (formerly Invitae), Labcorp
Classification: Uncertain significance. Last evaluated: 2022-10-05. Review status: criteria provided, single submitter. Criteria: Invitae Variant Classification Sherloc (09022015). Collection method: clinical testing. Allele origin: germline.
Comment: In summary, the available evidence is currently insufficient to determine the role of this variant in disease. Therefore, it has been classified as a Variant of Uncertain Significance. Algorithms developed to predict the effect of missense changes on protein structure and function are either unavailable or do not agree on the potential impact of this missense change (SIFT: "Deleterious"; PolyPhen-2: "Probably Damaging"; Align-GVGD: "Class C0"). This variant has not been reported in the literature in individuals affected with NLGN2-related conditions. The frequency data for this variant in the population databases is considered unreliable, as metrics indicate poor data quality at this position in the gnomAD database. This sequence change replaces proline, which is neutral and non-polar, with leucine, which is neutral and non-polar, at codon 766 of the NLGN2 protein (p.Pro766Leu).